The following is an entry in ClinVar:

NM_004370.6(COL12A1):c.1111A>G (p.Met371Val)

Gene: COL12A1 (collagen type XII alpha 1 chain; minus strand). Cytogenetic location: 6q13.
Variant type: single nucleotide variant.
Coding change: c.1111A>G on transcript NM_004370.6 (MANE Select); coding-DNA position 1111, A replaced by G.
Protein change: p.Met371Val; replaces methionine 371 with valine.
Molecular consequence: missense variant. On other transcripts: intron variant (1).
Genome position (GRCh38, 1-based): chr6:75,184,031, T>C on the plus strand (A>G on the coding strand, the complement: COL12A1 is on the minus strand). VCF-style: chr6-75184031-T-C. GRCh37 (hg19) VCF-style: chr6-75893747-T-C.
Other names: c.73+18689A>G (NM_080645.3); short protein forms M371V.
Identifiers: ClinVar variation 1316054 (VCV001316054.2), dbSNP rs2149467349, ClinGen allele CA364773601.

ClinVar aggregate classification (germline): Uncertain significance (1 of 4 stars; one submission).

gnomAD v4.1: 1 of 1,614,136 alleles (0.000062%); highest among the groups gnomAD compares: Non-Finnish European, 0.000085%; no homozygotes.

Submission:

GeneDx
Classification: Uncertain significance. Last evaluated: 2020-01-20. Review status: criteria provided, single submitter. Criteria: GeneDx Variant Classification Process June 2021. Collection method: clinical testing. Allele origin: germline. Affected: yes.
Comment: Not observed in large population cohorts (Lek et al., 2016); In silico analysis, which includes protein predictors and evolutionary conservation, supports that this variant does not alter protein structure/function; Has not been previously published as pathogenic or benign to our knowledge